The following is an entry in ClinVar:

ClinVar aggregate classification (germline): Uncertain significance (1 of 4 stars; one submission).

Conditions:
Autism spectrum disorder due to AUTS2 deficiency (MRD26). Also called: INTELLECTUAL DEVELOPMENTAL DISORDER, AUTOSOMAL DOMINANT 26. Identifiers: Orphanet 352490, MedGen C4014435, MONDO:0014361, OMIM 615834.

Submission:

Dasa
Classification: Uncertain significance for Autism spectrum disorder due to AUTS2 deficiency. Last evaluated: 2025-10-31. Review status: criteria provided, single submitter. Criteria: DASA Assertion Criteria. Collection method: clinical testing. Allele origin: germline.
Comment: NM_015570.4(AUTS2):c.1469-8del is a splice-region variant predicted to affect normal RNA splicing. This variant is absent from population databases. The currently available literature and clinical evidence are not sufficient to establish a definitive association between this variant and the reported condition. Therefore, this variant is classified as a variant of uncertain significance.

NM_015570.4(AUTS2):c.1469-8del

Gene: AUTS2 (activator of transcription and developmental regulator AUTS2; plus strand). Cytogenetic location: 7q11.22.
Variant type: Deletion.
Coding change: c.1469-8del on transcript NM_015570.4 (MANE Select); 8 bases into the intron before coding-DNA position 1469, one base deleted (T; older notation c.1469-8delT).
Molecular consequence: intron variant.
Genome position (GRCh38, 1-based): chr7:70,766,106, T deleted. VCF-style (leftmost placement, unchanged base first): chr7-70766105-CT-C. GRCh37 (hg19) VCF-style: chr7-70231091-CT-C.
Other names: c.1469-8del (NM_001127231.3).
Identifiers: ClinVar variation 4883866 (VCV004883866.2).
Genomic context (GRCh38, chr7:70,766,105, plus strand): 5'-ACAGGAAGGCAGTCCGATGTCCTTTTCTGAAGGAAAAGGCGTCATCGTCTCCCTCTTCTT[CT>C]CTTCCAGAGCAAGACATCTTGCGACAGGAACTGAACACTCGTTTTTTGGCCTCTCAGAGT-3'